The following is an entry in ClinVar:

NM_014225.6(PPP2R1A):c.687G>C (p.Val229=)

Gene: PPP2R1A (protein phosphatase 2 scaffold subunit Aalpha; plus strand). Cytogenetic location: 19q13.41.
Variant type: single nucleotide variant.
Coding change: c.687G>C on transcript NM_014225.6 (MANE Select); coding-DNA position 687, G replaced by C.
Protein change: p.Val229=; no amino-acid change (valine 229 retained).
Molecular consequence: synonymous variant. On other transcripts: non-coding transcript variant (1).
Genome position (GRCh38, 1-based): chr19:52,212,990, G>C. VCF-style: chr19-52212990-G-C. GRCh37 (hg19) VCF-style: chr19-52716243-G-C.
Other names: c.150G>C, p.Val50= (NM_001363656.2).
Identifiers: ClinVar variation 3063715 (VCV003063715.3), dbSNP rs1285802488, ClinGen allele CA508826569.

ClinVar aggregate classification (germline): Likely benign. Review status: criteria provided, multiple submitters, no conflicts (2 of 4 stars). 2 submissions from 2 submitters: Likely benign (2). Last evaluated 2024-02-20.

Allele frequency attached by ClinVar (database versions not stated): gnomAD exomes below 0.00001; TOPMed 0.00001.
gnomAD v4.1: 1 of 1,609,660 alleles (0.000062%); highest among the groups gnomAD compares: Admixed American, 0.0017%; no homozygotes.

Submissions (2):

Labcorp Genetics (formerly Invitae), Labcorp
Classification: Likely benign. Last evaluated: 2024-02-20. Review status: criteria provided, single submitter. Criteria: Invitae Variant Classification Sherloc (09022015). Collection method: clinical testing. Allele origin: germline.

Women's Health and Genetics/Laboratory Corporation of America, LabCorp
Classification: Likely benign. Last evaluated: 2024-01-30. Review status: criteria provided, single submitter. Criteria: LabCorp Variant Classification Summary - May 2015. Collection method: clinical testing. Allele origin: germline.
Comment: Variant summary: PPP2R1A c.687G>C alters a conserved nucleotide resulting in a synonymous change. Consensus agreement among computation tools predict no significant impact on normal splicing. However, these predictions have yet to be confirmed by functional studies. The variant was absent in 245242 control chromosomes. The available data on variant occurrences in the general population are insufficient to allow any conclusion about variant significance. To our knowledge, no occurrence of c.687G>C in individuals affected with Mental Retardation, Autosomal Dominant 36 and no experimental evidence demonstrating its impact on protein function have been reported. No submitters have cited clinical-significance assessments for this variant to ClinVar. Based on the evidence outlined above, the variant was classified as likely benign.